The following is an entry in ClinVar:

ClinVar aggregate classification (germline): Uncertain significance (1 of 4 stars; one submission).

Conditions:
Gastrointestinal stromal tumor. Also called: Gastrointestinal stromal tumor, somatic; Gastrointestinal stroma tumor. Identifiers: Orphanet 44890, MedGen C0238198, MeSH D046152, MONDO:0011719, OMIM 606764, HP:0100723.

Submission:

Labcorp Genetics (formerly Invitae), Labcorp
Classification: Uncertain significance for Gastrointestinal stromal tumor. Last evaluated: 2025-08-07. Review status: criteria provided, single submitter. Criteria: Invitae Variant Classification Sherloc (09022015). Collection method: clinical testing. Allele origin: germline.
Comment: This sequence change replaces glycine, which is neutral and non-polar, with serine, which is neutral and polar, at codon 3 of the KIT protein (p.Gly3Ser). This variant is not present in population databases (gnomAD no frequency). This variant has not been reported in the literature in individuals affected with KIT-related conditions. ClinVar contains an entry for this variant (Variation ID: 3671363). An algorithm developed to predict the effect of missense changes on protein structure and function outputs the following: PolyPhen-2: "Possibly Damaging". The serine amino acid residue is found in multiple mammalian species, which suggests that this missense change does not adversely affect protein function. In summary, the available evidence is currently insufficient to determine the role of this variant in disease. Therefore, it has been classified as a Variant of Uncertain Significance.

NM_000222.3(KIT):c.7G>A (p.Gly3Ser)

Gene: KIT (KIT proto-oncogene, receptor tyrosine kinase; plus strand). Cytogenetic location: 4q12.
Variant type: single nucleotide variant.
Coding change: c.7G>A on transcript NM_000222.3 (MANE Select); coding-DNA position 7, G replaced by A.
Protein change: p.Gly3Ser; replaces glycine 3 with serine.
Molecular consequence: missense variant.
Genome position (GRCh38, 1-based): chr4:54,658,021, G>A. VCF-style: chr4-54658021-G-A. GRCh37 (hg19) VCF-style: chr4-55524188-G-A.
Other names: c.7G>A, p.Gly3Ser (NM_001093772.2, NM_001385284.1, NM_001385285.1 and 4 more transcripts); short protein forms G3S.
Identifiers: ClinVar variation 3671363 (VCV003671363.2).